The following is an entry in ClinVar:

NM_177924.5(ASAH1):c.457+293C>A

Gene: ASAH1 (N-acylsphingosine amidohydrolase 1; minus strand). Cytogenetic location: 8p22.
Variant type: single nucleotide variant.
Coding change: c.457+293C>A on transcript NM_177924.5 (MANE Select); 293 bases into the intron after coding-DNA position 457, C replaced by A.
Molecular consequence: intron variant.
Genome position (GRCh38, 1-based): chr8:18,064,164, G>T on the plus strand (C>A on the coding strand, the complement: ASAH1 is on the minus strand). VCF-style: chr8-18064164-G-T. GRCh37 (hg19) VCF-style: chr8-17921673-G-T.
Other names: c.505+293C>A (NM_004315.6); c.439+293C>A (NM_001127505.3); c.262+293C>A (NM_001363743.2).
Identifiers: ClinVar variation 683289 (VCV000683289.1), dbSNP rs2073573, ClinGen allele CA12716437.

ClinVar aggregate classification (germline): Benign (1 of 4 stars; one submission).

Allele frequency attached by ClinVar (database versions not stated): 1000 Genomes Project 0.58407; 1000 Genomes Project 30x 0.58666; gnomAD exomes 0.61372; TOPMed 0.63655; gnomAD 0.64393 and 0.65272.
gnomAD v4.1: 328,532 of 527,900 alleles (62%); highest among the groups gnomAD compares: African/African-American, 72%; 104,002 homozygotes.

Submission:

GeneDx
Classification: Benign. Last evaluated: 2018-06-19. Review status: criteria provided, single submitter. Criteria: GeneDx Variant Classification (06012015). Collection method: clinical testing. Allele origin: germline. Affected: yes.
Comment: This variant is considered likely benign or benign based on one or more of the following criteria: it is a conservative change, it occurs at a poorly conserved position in the protein, it is predicted to be benign by multiple in silico algorithms, and/or has population frequency not consistent with disease.